The following is an entry in ClinVar:

ClinVar aggregate classification (germline): Uncertain significance (1 of 4 stars; one submission).

Conditions:
Hajdu-Cheney syndrome (HJCYS). Also called: SERPENTINE FIBULA-POLYCYSTIC KIDNEY SYNDROME; Acroosteolysis dominant type; ACROOSTEOLYSIS WITH OSTEOPOROSIS AND CHANGES IN SKULL AND MANDIBLE. Identifiers: Orphanet 955, MedGen C0917715, MONDO:0007057, OMIM 102500.

gnomAD v4.1: 14 of 1,614,168 alleles (0.00087%); highest among the groups gnomAD compares: East Asian, 0.029%; no homozygotes.

Submission:

Labcorp Genetics (formerly Invitae), Labcorp
Classification: Uncertain significance for Hajdu-Cheney syndrome. Last evaluated: 2024-09-16. Review status: criteria provided, single submitter. Criteria: Invitae Variant Classification Sherloc (09022015). Collection method: clinical testing. Allele origin: germline.
Comment: This sequence change replaces aspartic acid, which is acidic and polar, with asparagine, which is neutral and polar, at codon 1189 of the NOTCH2 protein (p.Asp1189Asn). This variant is present in population databases (rs185917176, gnomAD 0.03%). This variant has not been reported in the literature in individuals affected with NOTCH2-related conditions. Invitae Evidence Modeling of protein sequence and biophysical properties (such as structural, functional, and spatial information, amino acid conservation, physicochemical variation, residue mobility, and thermodynamic stability) indicates that this missense variant is not expected to disrupt NOTCH2 protein function with a negative predictive value of 80%. In summary, the available evidence is currently insufficient to determine the role of this variant in disease. Therefore, it has been classified as a Variant of Uncertain Significance.

NM_024408.4(NOTCH2):c.3565G>A (p.Asp1189Asn)

Gene: NOTCH2 (notch receptor 2; minus strand). Cytogenetic location: 1p12.
Variant type: single nucleotide variant.
Coding change: c.3565G>A on transcript NM_024408.4 (MANE Select); coding-DNA position 3565, G replaced by A.
Protein change: p.Asp1189Asn; replaces aspartic acid 1189 with asparagine.
Molecular consequence: missense variant.
Genome position (GRCh38, 1-based): chr1:119,935,562, C>T on the plus strand (G>A on the coding strand, the complement: NOTCH2 is on the minus strand). VCF-style: chr1-119935562-C-T. GRCh37 (hg19) VCF-style: chr1-120478185-C-T.
Other names: c.3565G>A, p.Asp1189Asn (NM_001200001.2); short protein forms D1189N.
Identifiers: ClinVar variation 3624053 (VCV003624053.2).